The following is an entry in ClinVar:

ClinVar aggregate classification (germline): Likely benign (1 of 4 stars; one submission).

Conditions:
NTRK1-related disorder. Also called: NTRK1-related condition.

gnomAD v4.1: 27 of 1,614,136 alleles (0.0017%); highest among the groups gnomAD compares: East Asian, 0.0022%; no homozygotes.

Submission:

PreventionGenetics, part of Exact Sciences
Classification: Likely benign for NTRK1-related condition. Last evaluated: 2026-07-09. Review status: criteria provided, single submitter. Criteria: ACMG Guidelines, 2015. Collection method: clinical testing. Allele origin: germline.
Comment: This variant is classified as likely benign based on ACMG/AMP sequence variant interpretation guidelines (Richards et al. 2015 PMID: 25741868, with internal and published modifications).

NM_001007792.1(NTRK1):c.-2G>A

Genes: NTRK1 (neurotrophic receptor tyrosine kinase 1; plus strand), SH2D2A (SH2 domain containing 2A; minus strand). Cytogenetic location: 1q23.1.
Variant type: single nucleotide variant.
Coding change: c.-2G>A on transcript NM_001007792.1; 2 bases upstream of the start codon, G replaced by A.
Molecular consequence: 5 prime UTR variant. On other transcripts: intron variant (5).
Genome position (GRCh38, 1-based): chr1:156,815,828, G>A. VCF-style: chr1-156815828-G-A. GRCh37 (hg19) VCF-style: chr1-156785620-G-A.
Other names: c.69+178C>T (NM_001161442.2); c.123+178C>T (NM_003975.4, NM_001161441.2, NM_001161444.2); c.39+178C>T (NM_001161443.2).
Identifiers: ClinVar variation 4978508 (VCV004978508.1).
Genomic context (GRCh38, chr1:156,815,828, plus strand): 5'-GACTCAGCCTGAGCTTCCAGAGGGCCTAGGAGCAGTAAGGGAGTGAGTGGGCAACTCGGC[G>A]CATGAAGGAGGTACTCCTCATTTTCGTTCTCTCTCTCTGTGCCCCAGCCCGTTGGCAGAC-3'